The following is an entry in ClinVar:

NM_000540.3(RYR1):c.7984G>A (p.Ala2662Thr)

Gene: RYR1 (ryanodine receptor 1; plus strand). Cytogenetic location: 19q13.2.
Variant type: single nucleotide variant.
Coding change: c.7984G>A on transcript NM_000540.3 (MANE Select); coding-DNA position 7984, G replaced by A.
Protein change: p.Ala2662Thr; replaces alanine 2662 with threonine.
Molecular consequence: missense variant.
Genome position (GRCh38, 1-based): chr19:38,504,277, G>A. VCF-style: chr19-38504277-G-A. GRCh37 (hg19) VCF-style: chr19-38994917-G-A.
Other names: c.7984G>A, p.Ala2662Thr (NM_001042723.2); short protein forms A2662T.
Identifiers: ClinVar variation 5037302 (VCV005037302.1).

ClinVar aggregate classification (germline): Uncertain significance (1 of 4 stars; one submission).

gnomAD v4.1: 1 of 1,614,122 alleles (0.000062%); highest among the groups gnomAD compares: South Asian, 0.0011%; no homozygotes.

Submission:

GeneDx
Classification: Uncertain significance. Last evaluated: 2026-04-20. Review status: criteria provided, single submitter. Criteria: GeneDx Variant Classification Process June 2021. Collection method: clinical testing. Allele origin: germline.
Comment: Not observed at significant frequency in large population cohorts (gnomAD); In silico analysis supports that this missense variant has a deleterious effect on protein structure/function; Has not been previously published as pathogenic or benign to our knowledge